The following is an entry in ClinVar:

ClinVar aggregate classification (germline): Uncertain significance (1 of 4 stars; one submission).

Conditions:
GNAS-related disorder. Identifiers: MedGen CN380105.

Allele frequency attached by ClinVar (database versions not stated): gnomAD exomes 0.00001; TOPMed 0.00001.
gnomAD v4.1: 3 of 1,535,056 alleles (0.0002%); highest among the groups gnomAD compares: Admixed American, 0.0059%; no homozygotes.

Submission:

PreventionGenetics, part of Exact Sciences
Classification: Uncertain significance for GNAS-related condition. Last evaluated: 2025-03-07. Review status: criteria provided, single submitter. Criteria: ACMG Guidelines, 2015. Collection method: clinical testing. Allele origin: germline.
Comment: The GNAS c.1364C>T variant is predicted to result in the amino acid substitution p.Ser455Phe. This variant can also be referred to as an pre-coding variant c.-37098C>T with an alternative transcript (NM_000516). To our knowledge, this variant has not been reported in the literature. This variant is reported in 0.012% of alleles in individuals of Latino descent in gnomAD. Although we suspect that this variant may be benign, at this time, the clinical significance of this variant is uncertain due to the absence of conclusive functional and genetic evidence.

NM_080425.4(GNAS):c.1364C>T (p.Ser455Phe)

Gene: GNAS (GNAS complex locus; plus strand). Cytogenetic location: 20q13.32.
Variant type: single nucleotide variant.
Coding change: c.1364C>T on transcript NM_080425.4 (MANE Plus Clinical); coding-DNA position 1364, C replaced by T.
Protein change: p.Ser455Phe; replaces serine 455 with phenylalanine.
Molecular consequence: missense variant. On other transcripts: intron variant (3).
Genome position (GRCh38, 1-based): chr20:58,854,629, C>T. VCF-style: chr20-58854629-C-T. GRCh37 (hg19) VCF-style: chr20-57429684-C-T.
Other names: c.*42+13743C>T (NM_016592.5); c.43+13743C>T (NM_001410912.1); c.-39+12754C>T (NM_001309861.2); c.1177C>T, p.Pro393Ser (NM_001077490.3, NM_001309883.1); c.1364C>T, p.Ser455Phe (NM_001410913.1); short protein forms P393S, S455F.
Identifiers: ClinVar variation 2634451 (VCV002634451.2), dbSNP rs1407130837, ClinGen allele CA409460295.